The following is an entry in ClinVar:

ClinVar aggregate classification (germline): Uncertain significance (1 of 4 stars; one submission).

Conditions:
Nephronophthisis 15 (NPHP15). Identifiers: Orphanet 3156, MedGen C3541853, MONDO:0013917, OMIM 614845.

Allele frequency attached by ClinVar (database versions not stated): gnomAD 0.00001; gnomAD exomes 0.00001.

Submission:

Labcorp Genetics (formerly Invitae), Labcorp
Classification: Uncertain significance for Nephronophthisis 15. Last evaluated: 2024-12-02. Review status: criteria provided, single submitter. Criteria: Invitae Variant Classification Sherloc (09022015). Collection method: clinical testing. Allele origin: germline.
Comment: This sequence change replaces glutamic acid, which is acidic and polar, with lysine, which is basic and polar, at codon 758 of the CEP164 protein (p.Glu758Lys). This variant is present in population databases (no rsID available, gnomAD 0.0008%). This variant has not been reported in the literature in individuals affected with CEP164-related conditions. ClinVar contains an entry for this variant (Variation ID: 1941945). Invitae Evidence Modeling of protein sequence and biophysical properties (such as structural, functional, and spatial information, amino acid conservation, physicochemical variation, residue mobility, and thermodynamic stability) has been performed for this missense variant. However, the output from this modeling did not meet the statistical confidence thresholds required to predict the impact of this variant on CEP164 protein function. In summary, the available evidence is currently insufficient to determine the role of this variant in disease. Therefore, it has been classified as a Variant of Uncertain Significance.

NM_014956.5(CEP164):c.2272G>A (p.Glu758Lys)

Gene: CEP164 (centrosomal protein 164; plus strand). Cytogenetic location: 11q23.3.
Variant type: single nucleotide variant.
Coding change: c.2272G>A on transcript NM_014956.5 (MANE Select); coding-DNA position 2272, G replaced by A.
Protein change: p.Glu758Lys; replaces glutamic acid 758 with lysine.
Molecular consequence: missense variant.
Genome position (GRCh38, 1-based): chr11:117,391,204, G>A. VCF-style: chr11-117391204-G-A. GRCh37 (hg19) VCF-style: chr11-117261920-G-A.
Other names: c.2281G>A, p.Glu761Lys (NM_001271933.2); short protein forms E758K, E761K.
Identifiers: ClinVar variation 1941945 (VCV001941945.5), dbSNP rs1235426437, ClinGen allele CA382723718.